The following is an entry in ClinVar:

NM_002528.7(NTHL1):c.705C>A (p.His235Gln)

Gene: NTHL1 (nth like DNA glycosylase 1; minus strand). Cytogenetic location: 16p13.3.
Variant type: single nucleotide variant.
Coding change: c.705C>A on transcript NM_002528.7 (MANE Select); coding-DNA position 705, C replaced by A.
Protein change: p.His235Gln; replaces histidine 235 with glutamine.
Molecular consequence: missense variant.
Genome position (GRCh38, 1-based): chr16:2,040,219, G>T on the plus strand (C>A on the coding strand, the complement: NTHL1 is on the minus strand). VCF-style: chr16-2040219-G-T. GRCh37 (hg19) VCF-style: chr16-2090220-G-T.
Other names: c.534C>A, p.His178Gln (NM_001318193.2); c.375C>A, p.His125Gln (NM_001318194.2); short protein forms H235Q, H178Q, H125Q.
Identifiers: ClinVar variation 2866812 (VCV002866812.3), dbSNP rs992194912, ClinGen allele CA394289276.

ClinVar aggregate classification (germline): Uncertain significance (1 of 4 stars; one submission).

Submission:

Labcorp Genetics (formerly Invitae), Labcorp
Classification: Uncertain significance. Last evaluated: 2023-05-22. Review status: criteria provided, single submitter. Criteria: Invitae Variant Classification Sherloc (09022015). Collection method: clinical testing. Allele origin: germline.
Comment: In summary, the available evidence is currently insufficient to determine the role of this variant in disease. Therefore, it has been classified as a Variant of Uncertain Significance. RNA analysis performed to evaluate the impact of this missense change on mRNA splicing indicates it does not significantly alter splicing (Invitae). An algorithm developed to predict the effect of missense changes on protein structure and function (PolyPhen-2) suggests that this variant is likely to be disruptive. This variant has not been reported in the literature in individuals affected with NTHL1-related conditions. This variant is not present in population databases (gnomAD no frequency). This sequence change replaces histidine, which is basic and polar, with glutamine, which is neutral and polar, at codon 243 of the NTHL1 protein (p.His243Gln).